The following is an entry in ClinVar:

ClinVar aggregate classification (germline): Uncertain significance. Review status: criteria provided, multiple submitters, no conflicts (2 of 4 stars). 2 submissions from 2 submitters: Uncertain significance (2). Last evaluated 2025-08-09.

Allele frequency attached by ClinVar (database versions not stated): gnomAD exomes 0.00001; ExAC 0.00002.
gnomAD v4.1: 8 of 1,603,720 alleles (0.0005%); highest among the groups gnomAD compares: South Asian, 0.0011%; no homozygotes.

Submissions (2):

Ambry Genetics
Classification: Uncertain significance. Last evaluated: 2025-08-09. Review status: criteria provided, single submitter. Criteria: Ambry Variant Classification Scheme 2023. Collection method: clinical testing. Allele origin: germline.

Labcorp Genetics (formerly Invitae), Labcorp
Classification: Uncertain significance. Last evaluated: 2022-09-25. Review status: criteria provided, single submitter. Criteria: Invitae Variant Classification Sherloc (09022015). Collection method: clinical testing. Allele origin: germline.
Comment: ClinVar contains an entry for this variant (Variation ID: 1510892). Algorithms developed to predict the effect of missense changes on protein structure and function (SIFT, PolyPhen-2, Align-GVGD) all suggest that this variant is likely to be disruptive. In summary, the available evidence is currently insufficient to determine the role of this variant in disease. Therefore, it has been classified as a Variant of Uncertain Significance. This sequence change replaces proline, which is neutral and non-polar, with leucine, which is neutral and non-polar, at codon 79 of the KLF10 protein (p.Pro79Leu). This variant is present in population databases (rs774909989, gnomAD 0.007%). This variant has not been reported in the literature in individuals affected with KLF10-related conditions.

NM_005655.4(KLF10):c.236C>T (p.Pro79Leu)

Gene: KLF10 (KLF transcription factor 10; minus strand). Cytogenetic location: 8q22.3.
Variant type: single nucleotide variant.
Coding change: c.236C>T on transcript NM_005655.4 (MANE Select); coding-DNA position 236, C replaced by T.
Protein change: p.Pro79Leu; replaces proline 79 with leucine.
Molecular consequence: missense variant. On other transcripts: non-coding transcript variant (2).
Genome position (GRCh38, 1-based): chr8:102,652,198, G>A on the plus strand (C>T on the coding strand, the complement: KLF10 is on the minus strand). VCF-style: chr8-102652198-G-A. GRCh37 (hg19) VCF-style: chr8-103664426-G-A.
Other names: c.203C>T, p.Pro68Leu (NM_001032282.4); c.236C>T (NM_005655.2); short protein forms P68L, P79L.
Identifiers: ClinVar variation 1510892 (VCV001510892.9), dbSNP rs774909989, ClinGen allele CA4833672.
Genomic context (GRCh38, chr8:102,652,198, plus strand): 5'-TCTATCTTAAAAACAATAATACTTACAAATGCTGGGATTGTATGAAAATCAGGTGTTCCC[G>A]GAAGCAGATTCTCTTCCTCTGACAAATCAGATACTGGTGTAACAGGTCTGTTTTCAACGT-3'
Protein context (NP_005646.1, residues 69-89): SDLSEEENLL[Pro79Leu]GTPDFHTIPA